The following is an entry in ClinVar:

NM_207352.4(CYP4V2):c.555A>T (p.Ala185=)

Gene: CYP4V2 (cytochrome P450 family 4 subfamily V member 2; plus strand). Cytogenetic location: 4q35.1.
Variant type: single nucleotide variant.
Coding change: c.555A>T on transcript NM_207352.4 (MANE Select); coding-DNA position 555, A replaced by T.
Protein change: p.Ala185=; no amino-acid change (alanine 185 retained).
Molecular consequence: synonymous variant.
Genome position (GRCh38, 1-based): chr4:186,197,081, A>T. VCF-style: chr4-186197081-A-T. GRCh37 (hg19) VCF-style: chr4-187118235-A-T.
Identifiers: ClinVar variation 348302 (VCV000348302.16), dbSNP rs11932764, ClinGen allele CA3162585.
Genomic context (GRCh38, chr4:186,197,081, plus strand): 5'-CATGAATGAACAAGCAAATATATTGGTTAAGAAACTTGAAAAACACATTAACCAAGAAGC[A>T]TTTAACTGCTTTTTTTACATCACTCTTTGTGCCTTAGATATCATCTGTGGTGAGTCTCAT-3'
Protein context (NP_997235.3, residues 175-195): KKLEKHINQE[Ala185=]FNCFFYITLC

ClinVar aggregate classification (germline): Benign. Review status: criteria provided, multiple submitters, no conflicts (2 of 4 stars). 5 submissions from 4 submitters: Benign (5). Last evaluated 2026-01-28.

Conditions:
Bietti crystalline corneoretinal dystrophy (BCD). Also called: Bietti Crystalline Dystrophy; BIETTI TAPETORETINAL DEGENERATION WITH MARGINAL CORNEAL DYSTROPHY. Identifiers: Orphanet 41751, MedGen C1859486, MONDO:0008865, OMIM 210370.
Corneal dystrophy. Identifiers: Orphanet 34533, MedGen C0010036, MONDO:0018102, HP:0001131.

Allele frequency attached by ClinVar (database versions not stated): gnomAD exomes 0.00456 and 0.01143; ExAC 0.01397; gnomAD 0.04398 and 0.04735; ESP Exome Variant Server 0.04898; TOPMed 0.05045; 1000 Genomes Project 0.05092; 1000 Genomes Project 30x 0.05434.
gnomAD v4.1: 13,696 of 1,613,896 alleles (0.85%); highest among the groups gnomAD compares: African/African-American, 15%; 881 homozygotes.

Submissions (5):

Labcorp Genetics (formerly Invitae), Labcorp
Classification: Benign. Last evaluated: 2026-01-28. Review status: criteria provided, single submitter. Criteria: Invitae Variant Classification Sherloc (09022015). Collection method: clinical testing. Allele origin: germline.

GeneDx
Classification: Benign. Last evaluated: 2021-05-04. Review status: criteria provided, single submitter. Criteria: GeneDx Variant Classification Process June 2021. Collection method: clinical testing. Allele origin: germline. Affected: yes.

Illumina Laboratory Services, Illumina
Classification: Benign for Bietti crystalline corneoretinal dystrophy. Last evaluated: 2018-01-13. Review status: criteria provided, single submitter. Criteria: ICSL Variant Classification Criteria 13 December 2019. Collection method: clinical testing. Allele origin: germline.
Comment: This variant was observed in the ICSL laboratory as part of a predisposition screen in an ostensibly healthy population. It had not been previously curated by ICSL or reported in the Human Gene Mutation Database (HGMD: prior to June 1st, 2018), and was therefore a candidate for classification through an automated scoring system. Utilizing variant allele frequency, disease prevalence and penetrance estimates, and inheritance mode, an automated score was calculated to assess if this variant is too frequent to cause the disease. Based on the score and internal cut-off values, a variant classified as benign is not then subjected to further curation. The score for this variant resulted in a classification of benign for this disease.

Illumina Laboratory Services, Illumina
Classification: Benign for Corneal dystrophy. Last evaluated: 2018-01-13. Review status: criteria provided, single submitter. Criteria: ICSL Variant Classification Criteria 13 December 2019. Collection method: clinical testing. Allele origin: germline.
Comment: the same text as in the submission from Illumina Laboratory Services, Illumina above.

Breakthrough Genomics
Classification: Benign. Review status: criteria provided, single submitter. Criteria: ACMG Guidelines, 2015. Collection method: not provided. Allele origin: germline. Inheritance: Autosomal recessive inheritance. Affected: yes.